The following is an entry in ClinVar:

NM_000169.3(GLA):c.5A>C (p.Gln2Pro)

Genes: GLA (galactosidase alpha; minus strand), RPL36A-HNRNPH2 (RPL36A-HNRNPH2 readthrough; plus strand). Cytogenetic location: Xq22.1.
Variant type: single nucleotide variant.
Coding change: c.5A>C on transcript NM_000169.3 (MANE Select); coding-DNA position 5, A replaced by C.
Protein change: p.Gln2Pro; replaces glutamine 2 with proline.
Molecular consequence: missense variant. On other transcripts: non-coding transcript variant (3), intron variant (2).
Genome position (GRCh38, 1-based): chrX:101,407,899, T>G on the plus strand (A>C on the coding strand, the complement: GLA is on the minus strand). VCF-style: chrX-101407899-T-G. GRCh37 (hg19) VCF-style: chrX-100662887-T-G.
Other names: c.5A>C, p.Gln2Pro (NM_001406747.1, NM_001406748.1, NM_001406749.1); c.301-4037T>G (NM_001199973.2); c.178-4037T>G (NM_001199974.2); short protein forms Q2P.
Identifiers: ClinVar variation 3673572 (VCV003673572.3).

ClinVar aggregate classification (germline): Uncertain significance. Review status: criteria provided, multiple submitters, no conflicts (2 of 4 stars). 2 submissions from 2 submitters: Uncertain significance (2). Last evaluated 2025-06-30.

Conditions:
Fabry disease. Also called: Fabry's disease; ALPHA-GALACTOSIDASE A DEFICIENCY; ANDERSON-FABRY DISEASE; CERAMIDE TRIHEXOSIDASE DEFICIENCY; GLA DEFICIENCY; HEREDITARY DYSTOPIC LIPIDOSIS. Identifiers: Orphanet 324, MedGen C0002986, MONDO:0010526, OMIM 301500, HP:0001071. Disease mechanism: Fabry disease is due to inactivating mutations in the X-linked GLA gene resulting in deficiency of the enzyme Alpha Galactosidase-A., loss of function.

gnomAD v4.1: 1 of 1,207,703 alleles (0.000083%); highest among the groups gnomAD compares: Non-Finnish European, 0.00011%; no homozygotes.

Submissions (2):

Color Diagnostics, LLC DBA Color Health
Classification: Uncertain significance for Fabry disease. Last evaluated: 2025-06-30. Review status: criteria provided, single submitter. Criteria: ACMG Guidelines, 2015. Collection method: clinical testing. Allele origin: germline.
Comment: This missense variant replaces glutamine with proline at codon 2 of the GLA protein. Computational prediction suggests that this variant may not impact protein structure and function. To our knowledge, functional studies have not been reported for this variant. This variant has not been reported in individuals affected with GLA-related disorders in the literature. This variant has been identified in 1/183327 chromosomes in the general population by the Genome Aggregation Database (gnomAD). The available evidence is insufficient to determine the role of this variant in disease conclusively. Therefore, this variant is classified as a Variant of Uncertain Significance.

Labcorp Genetics (formerly Invitae), Labcorp
Classification: Uncertain significance for Fabry disease. Last evaluated: 2025-01-07. Review status: criteria provided, single submitter. Criteria: Invitae Variant Classification Sherloc (09022015). Collection method: clinical testing. Allele origin: germline.
Comment: This sequence change replaces glutamine, which is neutral and polar, with proline, which is neutral and non-polar, at codon 2 of the GLA protein (p.Gln2Pro). This variant is present in population databases (rs782386191, gnomAD 0.001%). This variant has not been reported in the literature in individuals affected with GLA-related conditions. Invitae Evidence Modeling of protein sequence and biophysical properties (such as structural, functional, and spatial information, amino acid conservation, physicochemical variation, residue mobility, and thermodynamic stability) has been performed for this missense variant. However, the output from this modeling did not meet the statistical confidence thresholds required to predict the impact of this variant on GLA protein function. In summary, the available evidence is currently insufficient to determine the role of this variant in disease. Therefore, it has been classified as a Variant of Uncertain Significance.